The following is an entry in ClinVar:

ClinVar aggregate classification (germline): Conflicting classifications of pathogenicity. Review status: criteria provided, conflicting classifications (1 of 4 stars). 3 submissions from 3 submitters: Likely pathogenic (2); Uncertain significance (1). Last evaluated 2026-01-22.

Conditions:
Combined malonic and methylmalonic acidemia. Identifiers: Orphanet 289504, MedGen C3280314, MONDO:0013661, OMIM 614265.

Allele frequency attached by ClinVar (database versions not stated): gnomAD exomes below 0.00001; TOPMed 0.00001.
gnomAD v4.1: 7 of 1,613,504 alleles (0.00043%); highest among the groups gnomAD compares: East Asian, 0.0022%; no homozygotes.

Submissions (3):

Natera, Inc.
Classification: Likely pathogenic for Combined malonic and methylmalonic aciduria. Last evaluated: 2026-01-22. Review status: criteria provided, single submitter. Criteria: Natera Variant Classification Schema (03/2026). Collection method: clinical testing. Allele origin: germline.
Comment: The c.311A>T variant in ACSF3 is a missense variant predicted to cause substitution of asparagine to isoleucine at amino acid 104. This variant is rare in the general population with a frequency below the threshold expected for the associated phenotype(s). This variant has been observed in one or more individuals affected with the associated recessive disease, as either homozygous or compound heterozygous with a second variant (PMID: 26915364). Additionally, this variant has been observed to segregate in affected family members (PMID: 26915364). This variant has been identified in one or more affected individual with a phenotype highly consistent with the associated gene (PMID: 26915364). Computational prediction algorithms indicate this variant is likely to affect gene or protein function. Given the available evidence, this variant is classified as Likely Pathogenic.

Women's Health and Genetics/Laboratory Corporation of America, LabCorp
Classification: Uncertain significance. Last evaluated: 2025-07-18. Review status: criteria provided, single submitter. Criteria: LabCorp Variant Classification Summary - May 2015. Collection method: clinical testing. Allele origin: germline.
Comment: Variant summary: ACSF3 c.311A>T (p.Asn104Ile) results in a non-conservative amino acid change located in the AMP-dependent synthetase/ligase domain (IPR000873) of the encoded protein sequence. Algorithms developed to predict the effect of missense changes on protein structure and function all suggest that this variant is likely to be disruptive. The frequency data for this variant in gnomAD is considered unreliable, as metrics indicate poor data quality at this position. c.311A>T has been reported in the literature in a family in two compound heterozygous sisters with infection-induced symptoms of Combined Malonic and Methylmalonic Aciduria (de Sain-van der Velden_2016). These data indicate that the variant may be associated with disease. To our knowledge, no experimental evidence demonstrating an impact on protein function has been reported. The following publications have been ascertained in the context of this evaluation (PMID: 30740739, 32327331, 34900860, 26915364). ClinVar contains an entry for this variant (Variation ID: 1677208). Based on the evidence outlined above, the variant was classified as VUS-possibly pathogenic.

Baylor Genetics
Classification: Likely pathogenic for Combined malonic and methylmalonic acidemia. Last evaluated: 2024-03-08. Review status: criteria provided, single submitter. Criteria: ACMG Guidelines, 2015. Collection method: clinical testing. Allele origin: unknown.

Literature cited by the submitters: PubMed 26915364 (cited by Natera, Inc. and Women's Health and Genetics/Laboratory Corporation of America, LabCorp); PubMed 30740739 (cited by Women's Health and Genetics/Laboratory Corporation of America, LabCorp); PubMed 32327331 (cited by Women's Health and Genetics/Laboratory Corporation of America, LabCorp); PubMed 34900860 (cited by Women's Health and Genetics/Laboratory Corporation of America, LabCorp).

NM_001243279.3(ACSF3):c.311A>T (p.Asn104Ile)

Gene: ACSF3 (acyl-CoA synthetase family member 3; plus strand). Cytogenetic location: 16q24.3.
Variant type: single nucleotide variant.
Coding change: c.311A>T on transcript NM_001243279.3 (MANE Select); coding-DNA position 311, A replaced by T.
Protein change: p.Asn104Ile; replaces asparagine 104 with isoleucine.
Molecular consequence: missense variant. On other transcripts: non-coding transcript variant (3), intron variant (1).
Genome position (GRCh38, 1-based): chr16:89,100,992, A>T. VCF-style: chr16-89100992-A-T. GRCh37 (hg19) VCF-style: chr16-89167400-A-T.
Other names: c.311A>T, p.Asn104Ile (NM_001127214.4, NM_174917.5); c.-129-1612A>T (NM_001284316.2); short protein forms N104I.
Identifiers: ClinVar variation 1677208 (VCV001677208.5), dbSNP rs1378197369, ClinGen allele CA397133842.